The following is an entry in ClinVar:

ClinVar aggregate classification (germline): Benign (0 of 4 stars; one submission).

Conditions:
SHROOM3-related disorder. Also called: SHROOM3-related condition.

Allele frequency attached by ClinVar (database versions not stated): 1000 Genomes Project 0.03734; 1000 Genomes Project 30x 0.03857; ESP Exome Variant Server 0.06736; TOPMed 0.06840; gnomAD 0.07109; gnomAD exomes 0.09402; ExAC 0.16489.
gnomAD v4.1: 136,622 of 1,496,954 alleles (9.1%); highest among the groups gnomAD compares: Non-Finnish European, 11%; 6,941 homozygotes.

Submission:

PreventionGenetics, part of Exact Sciences
Classification: Benign for SHROOM3-related condition. Last evaluated: 2024-03-25. Review status: no assertion criteria provided. Collection method: clinical testing. Allele origin: germline.
Comment: This variant is classified as benign based on ACMG/AMP sequence variant interpretation guidelines (Richards et al. 2015 PMID: 25741868, with internal and published modifications).

NM_020859.4(SHROOM3):c.2799C>T (p.Ser933=)

Genes: SHROOM3 (shroom family member 3; plus strand), SHROOM3-AS1 (SHROOM3 antisense RNA 1; minus strand). Cytogenetic location: 4q21.1.
Variant type: single nucleotide variant.
Coding change: c.2799C>T on transcript NM_020859.4 (MANE Select); coding-DNA position 2799, C replaced by T.
Protein change: p.Ser933=; no amino-acid change (serine 933 retained).
Molecular consequence: synonymous variant.
Genome position (GRCh38, 1-based): chr4:76,740,972, C>T. VCF-style: chr4-76740972-C-T. GRCh37 (hg19) VCF-style: chr4-77662125-C-T.
Identifiers: ClinVar variation 3055331 (VCV003055331.2), dbSNP rs36036308, ClinGen allele CA2972646.